The following is an entry in ClinVar:

ClinVar aggregate classification (germline): Conflicting classifications of pathogenicity. Review status: criteria provided, conflicting classifications (1 of 4 stars). 3 submissions from 3 submitters: Likely pathogenic (1); Uncertain significance (2). Last evaluated 2026-02-19.

Conditions:
Intellectual developmental disorder with gastrointestinal difficulties and high pain threshold (JDVS). Also called: JANSEN-DE VRIES SYNDROME. Identifiers: Orphanet 653767, MedGen C4479517, MONDO:0044318, OMIM 617450.

Allele frequency attached by ClinVar (database versions not stated): ExAC 0.00002.

Submissions (3):

GeneDx
Classification: Uncertain significance. Last evaluated: 2026-02-19. Review status: criteria provided, single submitter. Criteria: GeneDx Variant Classification Process June 2021. Collection method: clinical testing. Allele origin: germline.
Comment: De novo variant with confirmed parentage in a fetus in published literature; however, the reported prenatal clinical features are only partially consistent with the features typically observed in individuals with pathogenic variants in this gene (PMID: 39138116); Identified in a blood sample from a patient with history of rectosigmoideal adenocarcinoma (PMID: 23649806); Nonsense variant predicted to result in protein truncation, as the last 148 amino acids are lost, and other loss-of-function variants have been reported downstream in HGMD; This variant is associated with the following publications: (PMID: 26832796, 23649806, 23666059, 25742468, 37067201, 36716918, 36031433, 33589749, 38896450, 37378944, 38132396, 40931354, 39138116)

Equipe Genetique des Anomalies du Developpement, Université de Bourgogne
Classification: Likely pathogenic for Intellectual developmental disorder with gastrointestinal difficulties and high pain threshold. Last evaluated: 2021-11-22. Review status: criteria provided, single submitter. Criteria: ACMG Guidelines, 2015. Collection method: clinical testing. Allele origin: de novo. Affected: yes.

Blueprint Genetics
Classification: Uncertain significance. Last evaluated: 2020-03-06. Review status: criteria provided, single submitter. Criteria: ACMG Guidelines, 2015. Collection method: clinical testing. Allele origin: germline.

Literature cited by the submitters: PubMed 28343630 (cited by Equipe Genetique des Anomalies du Developpement, Université de Bourgogne); PubMed 30795918 (cited by Equipe Genetique des Anomalies du Developpement, Université de Bourgogne); PubMed 31916397 (cited by Equipe Genetique des Anomalies du Developpement, Université de Bourgogne).

NM_003620.4(PPM1D):c.1372C>T (p.Arg458Ter)

Gene: PPM1D (protein phosphatase, Mg2+/Mn2+ dependent 1D; plus strand). Cytogenetic location: 17q23.2.
Variant type: single nucleotide variant.
Coding change: c.1372C>T on transcript NM_003620.4 (MANE Select); coding-DNA position 1372, C replaced by T.
Protein change: p.Arg458Ter; replaces arginine 458 with a stop codon.
Molecular consequence: nonsense.
Genome position (GRCh38, 1-based): chr17:60,663,106, C>T. VCF-style: chr17-60663106-C-T. GRCh37 (hg19) VCF-style: chr17-58740467-C-T.
Other names: short protein forms R458*.
Identifiers: ClinVar variation 2445214 (VCV002445214.4), dbSNP rs773389405, ClinGen allele CA8687768.
Genomic context (GRCh38, chr17:60,663,106, plus strand): 5'-GCCCTGGTTCGTAGCAATGCCTTCTCAGAGAATTTTTTAGAGGTTTCAGCTGAGATAGCT[C>T]GAGAGAATGTCCAAGGTGTAGTCATACCCTCAAAAGATCCAGAACCACTTGAAGAAAATT-3'